The following is an entry in ClinVar:

NM_001987.5(ETV6):c.404A>G (p.His135Arg)

Gene: ETV6 (ETS variant transcription factor 6; plus strand). Cytogenetic location: 12p13.2.
Variant type: single nucleotide variant.
Coding change: c.404A>G on transcript NM_001987.5 (MANE Select); coding-DNA position 404, A replaced by G.
Protein change: p.His135Arg; replaces histidine 135 with arginine.
Molecular consequence: missense variant.
Genome position (GRCh38, 1-based): chr12:11,853,502, A>G. VCF-style: chr12-11853502-A-G. GRCh37 (hg19) VCF-style: chr12-12006436-A-G.
Other names: c.401A>G, p.His134Arg (NM_001413913.1); c.377A>G, p.His126Arg (NM_001413914.1); c.140A>G, p.His47Arg (NM_001413915.1); c.404A>G, p.His135Arg (NM_001413916.1, NM_001413917.1); short protein forms H126R, H135R, H47R, H134R.
Identifiers: ClinVar variation 3846459 (VCV003846459.1).

ClinVar aggregate classification (germline): Uncertain significance (1 of 4 stars; one submission).

Conditions:
Inborn genetic diseases. Identifiers: MedGen C0950123, MeSH D030342.

gnomAD v4.1: 3 of 1,614,024 alleles (0.00019%); highest among the groups gnomAD compares: Admixed American, 0.0033%; no homozygotes.

Submission:

Ambry Genetics
Classification: Uncertain significance for Inborn genetic diseases. Last evaluated: 2025-01-31. Review status: criteria provided, single submitter. Criteria: Ambry Variant Classification Scheme 2023. Collection method: clinical testing. Allele origin: germline.
Comment: The p.H135R variant (also known as c.404A>G), located in coding exon 4 of the ETV6 gene, results from an A to G substitution at nucleotide position 404. The histidine at codon 135 is replaced by arginine, an amino acid with highly similar properties. This amino acid position is highly conserved in available vertebrate species. In addition, this alteration is predicted to be tolerated by in silico analysis. Based on the available evidence, the clinical significance of this variant remains unclear.